The following is an entry in ClinVar:

NM_001321967.2(ATAD1):c.778C>G (p.Pro260Ala)

Gene: ATAD1 (ATPase family AAA domain containing 1; minus strand). Cytogenetic location: 10q23.31.
Variant type: single nucleotide variant.
Coding change: c.778C>G on transcript NM_001321967.2 (MANE Select); coding-DNA position 778, C replaced by G.
Protein change: p.Pro260Ala; replaces proline 260 with alanine.
Molecular consequence: missense variant. On other transcripts: non-coding transcript variant (1), intron variant (1).
Genome position (GRCh38, 1-based): chr10:87,770,954, G>C on the plus strand (C>G on the coding strand, the complement: ATAD1 is on the minus strand). VCF-style: chr10-87770954-G-C. GRCh37 (hg19) VCF-style: chr10-89530711-G-C.
Other names: c.421C>G, p.Pro141Ala (NM_001321969.2); c.778C>G, p.Pro260Ala (NM_032810.4); c.691-3231C>G (NM_001321968.2); short protein forms P141A, P260A.
Identifiers: ClinVar variation 1395958 (VCV001395958.6), dbSNP rs2131815683, ClinGen allele CA377488896.

ClinVar aggregate classification (germline): Uncertain significance (1 of 4 stars; one submission).

Submission:

Labcorp Genetics (formerly Invitae), Labcorp
Classification: Uncertain significance. Last evaluated: 2021-12-01. Review status: criteria provided, single submitter. Criteria: Invitae Variant Classification Sherloc (09022015). Collection method: clinical testing. Allele origin: germline.
Comment: This sequence change replaces proline, which is neutral and non-polar, with alanine, which is neutral and non-polar, at codon 260 of the ATAD1 protein (p.Pro260Ala). This variant is not present in population databases (gnomAD no frequency). In summary, the available evidence is currently insufficient to determine the role of this variant in disease. Therefore, it has been classified as a Variant of Uncertain Significance. Algorithms developed to predict the effect of missense changes on protein structure and function are either unavailable or do not agree on the potential impact of this missense change (SIFT: "Not Available"; PolyPhen-2: "Probably Damaging"; Align-GVGD: "Not Available"). This variant has not been reported in the literature in individuals affected with ATAD1-related conditions.